The following is an entry in ClinVar:

NM_020247.5(COQ8A):c.116C>T (p.Ala39Val)

Gene: COQ8A (coenzyme Q8A; plus strand). Cytogenetic location: 1q42.13.
Variant type: single nucleotide variant.
Coding change: c.116C>T on transcript NM_020247.5 (MANE Select); coding-DNA position 116, C replaced by T.
Protein change: p.Ala39Val; replaces alanine 39 with valine.
Molecular consequence: missense variant.
Genome position (GRCh38, 1-based): chr1:226,961,501, C>T. VCF-style: chr1-226961501-C-T. GRCh37 (hg19) VCF-style: chr1-227149202-C-T.
Other names: short protein forms A39V.
Identifiers: ClinVar variation 873642 (VCV000873642.8), dbSNP rs773489358, ClinGen allele CA1424929.

ClinVar aggregate classification (germline): Uncertain significance. Review status: criteria provided, multiple submitters, no conflicts (2 of 4 stars). 3 submissions from 3 submitters: Uncertain significance (3). Last evaluated 2026-04-04.

Conditions:
Autosomal recessive ataxia due to ubiquinone deficiency. Also called: Coenzyme Q10 deficiency, primary, 4; SPINOCEREBELLAR ATAXIA, AUTOSOMAL RECESSIVE 9. Identifiers: Orphanet 139485, MedGen C2677589, MONDO:0012784, OMIM 612016.

Allele frequency attached by ClinVar (database versions not stated): gnomAD exomes 0.00002 and 0.00003; gnomAD 0.00003; TOPMed 0.00004; ExAC 0.00001.

Submissions (3):

GeneDx
Classification: Uncertain significance. Last evaluated: 2026-04-04. Review status: criteria provided, single submitter. Criteria: GeneDx Variant Classification Process June 2021. Collection method: clinical testing. Allele origin: germline.
Comment: Not observed at significant frequency in large population cohorts (gnomAD); In silico analysis suggests that this missense variant does not alter protein structure/function; Has not been previously published as pathogenic or benign to our knowledge

Labcorp Genetics (formerly Invitae), Labcorp
Classification: Uncertain significance. Last evaluated: 2023-05-27. Review status: criteria provided, single submitter. Criteria: Invitae Variant Classification Sherloc (09022015). Collection method: clinical testing. Allele origin: germline.
Comment: ClinVar contains an entry for this variant (Variation ID: 873642). This variant has not been reported in the literature in individuals affected with COQ8A-related conditions. This variant is present in population databases (rs773489358, gnomAD 0.009%). This sequence change replaces alanine, which is neutral and non-polar, with valine, which is neutral and non-polar, at codon 39 of the COQ8A protein (p.Ala39Val). Advanced modeling of protein sequence and biophysical properties (such as structural, functional, and spatial information, amino acid conservation, physicochemical variation, residue mobility, and thermodynamic stability) performed at Invitae indicates that this missense variant is not expected to disrupt COQ8A protein function. In summary, the available evidence is currently insufficient to determine the role of this variant in disease. Therefore, it has been classified as a Variant of Uncertain Significance.

Illumina Laboratory Services, Illumina
Classification: Uncertain significance for Autosomal recessive ataxia due to ubiquinone deficiency. Last evaluated: 2018-01-13. Review status: criteria provided, single submitter. Criteria: ICSL Variant Classification Criteria 13 December 2019. Collection method: clinical testing. Allele origin: germline.